The following is an entry in ClinVar:

ClinVar aggregate classification (germline): Uncertain significance. Review status: criteria provided, single submitter (1 of 4 stars). 2 submissions from 2 submitters: Uncertain significance (1). 1 of the submissions does not count toward it. Last evaluated 2021-08-26.

Conditions:
Meckel-Gruber syndrome. Also called: Dysencephalia splachnocystica; DYSENCEPHALIA SPLANCHNOCYSTICA; GRUBER SYNDROME. Identifiers: Orphanet 564, MedGen C0265215, MONDO:0018921.
Joubert syndrome. Also called: Familial aplasia of the vermis; CEREBELLOPARENCHYMAL DISORDER IV; JOUBERT-BOLTSHAUSER SYNDROME. Identifiers: Orphanet 475, MedGen C5979921, MONDO:0018772.
Meckel syndrome, type 1 (MKS1). Also called: MECKEL-GRUBER SYNDROME, TYPE 1. Identifiers: Orphanet 564, MedGen C3714506, MONDO:0009571, OMIM 249000.

Submissions (2):

Labcorp Genetics (formerly Invitae), Labcorp
Classification: Uncertain significance for Joubert syndrome; Meckel-Gruber syndrome. Last evaluated: 2021-08-26. Review status: criteria provided, single submitter. Criteria: Invitae Variant Classification Sherloc (09022015). Collection method: clinical testing. Allele origin: germline.
Comment: This sequence change replaces valine with leucine at codon 283 of the MKS1 protein (p.Val283Leu). The valine residue is moderately conserved and there is a small physicochemical difference between valine and leucine. This variant is not present in population databases (ExAC no frequency). This variant has not been reported in the literature in individuals affected with MKS1-related conditions. Algorithms developed to predict the effect of missense changes on protein structure and function (SIFT, PolyPhen-2, Align-GVGD) all suggest that this variant is likely to be tolerated. In summary, the available evidence is currently insufficient to determine the role of this variant in disease. Therefore, it has been classified as a Variant of Uncertain Significance.

Natera, Inc.
Classification: Uncertain significance for Meckel syndrome type 1. Last evaluated: 2020-11-02. Review status: no assertion criteria provided. Collection method: clinical testing. Allele origin: germline. Not counted in ClinVar's aggregate classification.

NM_017777.4(MKS1):c.847G>C (p.Val283Leu)

Gene: MKS1 (MKS transition zone complex subunit 1; minus strand). Cytogenetic location: 17q22.
Variant type: single nucleotide variant.
Coding change: c.847G>C on transcript NM_017777.4 (MANE Select); coding-DNA position 847, G replaced by C.
Protein change: p.Val283Leu; replaces valine 283 with leucine.
Molecular consequence: missense variant.
Genome position (GRCh38, 1-based): chr17:58,212,993, C>G on the plus strand (G>C on the coding strand, the complement: MKS1 is on the minus strand). VCF-style: chr17-58212993-C-G. GRCh37 (hg19) VCF-style: chr17-56290354-C-G.
Other names: c.238G>C, p.Val80Leu (NM_001321268.2); c.847G>C, p.Val283Leu (NM_001321269.2, NM_001330397.2); short protein forms V283L, V80L.
Identifiers: ClinVar variation 935501 (VCV000935501.8), dbSNP rs976973396, ClinGen allele CA292012776.